The following is an entry in ClinVar:

NM_152415.3(VPS37A):c.625G>A (p.Val209Met)

Gene: VPS37A (VPS37A subunit of ESCRT-I; plus strand). Cytogenetic location: 8p22.
Variant type: single nucleotide variant.
Coding change: c.625G>A on transcript NM_152415.3 (MANE Select); coding-DNA position 625, G replaced by A.
Protein change: p.Val209Met; replaces valine 209 with methionine.
Molecular consequence: missense variant.
Genome position (GRCh38, 1-based): chr8:17,274,941, G>A. VCF-style: chr8-17274941-G-A. GRCh37 (hg19) VCF-style: chr8-17132450-G-A.
Other names: c.355G>A, p.Val119Met (NM_001363168.1, NM_001363169.1, NM_001363170.1 and 2 more transcripts); c.625G>A, p.Val209Met (NM_001363173.2, NM_001363167.1); c.550G>A, p.Val184Met (NM_001145152.2); short protein forms V119M, V184M, V209M.
Identifiers: ClinVar variation 845714 (VCV000845714.6), dbSNP rs1284443376, ClinGen allele CA370401602.

ClinVar aggregate classification (germline): Uncertain significance (1 of 4 stars; one submission).

Conditions:
Hereditary spastic paraplegia 53. Also called: Spastic paraplegia 53, autosomal recessive. Identifiers: Orphanet 319199, MedGen C3539494, MONDO:0013962, OMIM 614898.

Submission:

Labcorp Genetics (formerly Invitae), Labcorp
Classification: Uncertain significance for Hereditary spastic paraplegia 53. Last evaluated: 2019-04-06. Review status: criteria provided, single submitter. Criteria: Invitae Variant Classification Sherloc (09022015). Collection method: clinical testing. Allele origin: germline.
Comment: In summary, the available evidence is currently insufficient to determine the role of this variant in disease. Therefore, it has been classified as a Variant of Uncertain Significance. Algorithms developed to predict the effect of missense changes on protein structure and function output the following: SIFT: "Tolerated"; PolyPhen-2: "Benign"; Align-GVGD: "Class C0". The methionine amino acid residue is found in multiple mammalian species, suggesting that this missense change does not adversely affect protein function. These predictions have not been confirmed by published functional studies and their clinical significance is uncertain. This variant has not been reported in the literature in individuals with VPS37A-related conditions. This variant is not present in population databases (ExAC no frequency). This sequence change replaces valine with methionine at codon 209 of the VPS37A protein (p.Val209Met). The valine residue is weakly conserved and there is a small physicochemical difference between valine and methionine.